The following is an entry in ClinVar:

ClinVar aggregate classification (germline): Uncertain significance (1 of 4 stars; one submission).

Allele frequency attached by ClinVar (database versions not stated): gnomAD exomes 0.00001 and 0.00005; TOPMed 0.00002; ExAC 0.00005.
gnomAD v4.1: 15 of 1,613,296 alleles (0.00093%); highest among the groups gnomAD compares: Admixed American, 0.018%; no homozygotes.

Submission:

Labcorp Genetics (formerly Invitae), Labcorp
Classification: Uncertain significance. Last evaluated: 2024-07-17. Review status: criteria provided, single submitter. Criteria: Invitae Variant Classification Sherloc (09022015). Collection method: clinical testing. Allele origin: germline.
Comment: This sequence change replaces asparagine, which is neutral and polar, with serine, which is neutral and polar, at codon 440 of the MYO3A protein (p.Asn440Ser). This variant is present in population databases (rs762073830, gnomAD 0.04%). This variant has not been reported in the literature in individuals affected with MYO3A-related conditions. ClinVar contains an entry for this variant (Variation ID: 1426661). Advanced modeling of protein sequence and biophysical properties (such as structural, functional, and spatial information, amino acid conservation, physicochemical variation, residue mobility, and thermodynamic stability) performed at Invitae indicates that this missense variant is not expected to disrupt MYO3A protein function with a negative predictive value of 80%. In summary, the available evidence is currently insufficient to determine the role of this variant in disease. Therefore, it has been classified as a Variant of Uncertain Significance.

NM_017433.5(MYO3A):c.1319A>G (p.Asn440Ser)

Gene: MYO3A (myosin IIIA; plus strand). Cytogenetic location: 10p12.1.
Variant type: single nucleotide variant.
Coding change: c.1319A>G on transcript NM_017433.5 (MANE Select); coding-DNA position 1319, A replaced by G.
Protein change: p.Asn440Ser; replaces asparagine 440 with serine.
Molecular consequence: missense variant.
Genome position (GRCh38, 1-based): chr10:26,070,361, A>G. VCF-style: chr10-26070361-A-G. GRCh37 (hg19) VCF-style: chr10-26359290-A-G.
Other names: short protein forms N440S.
Identifiers: ClinVar variation 1426661 (VCV001426661.6), dbSNP rs762073830, ClinGen allele CA5444634.
Genomic context (GRCh38, chr10:26,070,361, plus strand): 5'-TTCTTTTCTATGTATAGTGCATTGTTATTTCTGGAGAAAGTGGTGCTGGAAAGACTGAAA[A>G]TGCTCATCTTTTAGTTCAGCAGCTGACAGTGCTTGGAAAGGTATAATTTATTTTTTTCTC-3'
Protein context (NP_059129.3, residues 430-450): SGESGAGKTE[Asn440Ser]AHLLVQQLTV